The following is an entry in ClinVar:

NM_005876.5(SPEG):c.9586C>T (p.Arg3196Ter)

Genes: ASIC4-AS1 (ASIC4 antisense RNA 1; minus strand), SPEG (striated muscle enriched protein kinase; plus strand). Cytogenetic location: 2q35.
Variant type: single nucleotide variant.
Coding change: c.9586C>T on transcript NM_005876.5 (MANE Select); coding-DNA position 9586, C replaced by T.
Protein change: p.Arg3196Ter; replaces arginine 3196 with a stop codon.
Molecular consequence: nonsense.
Genome position (GRCh38, 1-based): chr2:219,492,235, C>T. VCF-style: chr2-219492235-C-T. GRCh37 (hg19) VCF-style: chr2-220356957-C-T.
Other names: short protein forms R3196*.
Identifiers: ClinVar variation 3665263 (VCV003665263.1).
Genomic context (GRCh38, chr2:219,492,235, plus strand): 5'-GGCCGCTTTGATGCCTTCCAGCTGTACCCCAATACATCCCAGAGCGCCACCCTCTTCTTG[C>T]GAAAGGTTCTCTCTGTACATCCCTGGTGAGTGAGCCCCACACCTGCTATCCCCCAGTGTT-3'

ClinVar aggregate classification (germline): Uncertain significance (1 of 4 stars; one submission).

gnomAD v4.1: 3 of 1,613,590 alleles (0.00019%); highest among the groups gnomAD compares: Admixed American, 0.0017%; no homozygotes.

Submission:

Labcorp Genetics (formerly Invitae), Labcorp
Classification: Uncertain significance. Last evaluated: 2024-10-02. Review status: criteria provided, single submitter. Criteria: Invitae Variant Classification Sherloc (09022015). Collection method: clinical testing. Allele origin: germline.
Comment: This sequence change creates a premature translational stop signal (p.Arg3196*) in the SPEG gene. While this is not anticipated to result in nonsense mediated decay, it is expected to disrupt the last 72 amino acid(s) of the SPEG protein. This variant is present in population databases (rs746906014, gnomAD 0.003%). This premature translational stop signal has been observed in individual(s) with clinical features of centronuclear myopathy (PMID: 28624463). Experimental studies and prediction algorithms are not available or were not evaluated, and the functional significance of this variant is currently unknown. In summary, the available evidence is currently insufficient to determine the role of this variant in disease. Therefore, it has been classified as a Variant of Uncertain Significance.

Literature cited by the submitters: PubMed 28624463.